The following is an entry in ClinVar:

NM_001080779.2(MYO1C):c.318C>T (p.Gly106=)

Gene: MYO1C (myosin IC; minus strand). Cytogenetic location: 17p13.3.
Variant type: single nucleotide variant.
Coding change: c.318C>T on transcript NM_001080779.2 (MANE Select); coding-DNA position 318, C replaced by T.
Protein change: p.Gly106=; no amino-acid change (glycine 106 retained).
Molecular consequence: synonymous variant.
Genome position (GRCh38, 1-based): chr17:1,483,639, G>A on the plus strand (C>T on the coding strand, the complement: MYO1C is on the minus strand). VCF-style: chr17-1483639-G-A. GRCh37 (hg19) VCF-style: chr17-1386933-G-A.
Other names: c.261C>T, p.Gly87= (NM_001080950.2); c.246C>T, p.Gly82= (NM_001363855.1); c.213C>T, p.Gly71= (NM_033375.5).
Identifiers: ClinVar variation 3389824 (VCV003389824.14).

ClinVar aggregate classification (germline): Likely benign (1 of 4 stars; one submission).

gnomAD v4.1: 8 of 1,612,254 alleles (0.0005%); highest among the groups gnomAD compares: African/African-American, 0.0027%; no homozygotes.

Submission:

CeGaT Center for Human Genetics Tuebingen
Classification: Likely benign. Last evaluated: 2024-10-01. Review status: criteria provided, single submitter. Criteria: CeGaT Center For Human Genetics Tuebingen Variant Classification Criteria Version 2. Collection method: clinical testing. Allele origin: germline. Affected: yes. Observed: 1 variant allele.
Comment: MYO1C: BP4, BP7